The following is an entry in ClinVar:

ClinVar aggregate classification (germline): Uncertain significance (1 of 4 stars; one submission).

Conditions:
Hypoplastic left heart syndrome. Also called: Hypoplastic left ventricle; Hypoplastic left heart. Identifiers: Orphanet 2248, MedGen C0152101, MONDO:0004933, HP:0004383.

Submission:

Labcorp Genetics (formerly Invitae), Labcorp
Classification: Uncertain significance for Hypoplastic left heart syndrome. Last evaluated: 2025-04-26. Review status: criteria provided, single submitter. Criteria: Invitae Variant Classification Sherloc (09022015). Collection method: clinical testing. Allele origin: germline.
Comment: This sequence change replaces lysine, which is basic and polar, with glutamine, which is neutral and polar, at codon 163 of the HAND1 protein (p.Lys163Gln). This variant is not present in population databases (gnomAD no frequency). This variant has not been reported in the literature in individuals affected with HAND1-related conditions. An algorithm developed to predict the effect of missense changes on protein structure and function (PolyPhen-2) suggests that this variant is likely to be tolerated. In summary, the available evidence is currently insufficient to determine the role of this variant in disease. Therefore, it has been classified as a Variant of Uncertain Significance.

NM_004821.3(HAND1):c.487A>C (p.Lys163Gln)

Gene: HAND1 (heart and neural crest derivatives expressed 1; minus strand). Cytogenetic location: 5q33.2.
Variant type: single nucleotide variant.
Coding change: c.487A>C on transcript NM_004821.3 (MANE Select); coding-DNA position 487, A replaced by C.
Protein change: p.Lys163Gln; replaces lysine 163 with glutamine.
Molecular consequence: missense variant.
Genome position (GRCh38, 1-based): chr5:154,477,522, T>G on the plus strand (A>C on the coding strand, the complement: HAND1 is on the minus strand). VCF-style: chr5-154477522-T-G. GRCh37 (hg19) VCF-style: chr5-153857082-T-G.
Other names: short protein forms K163Q.
Identifiers: ClinVar variation 4806611 (VCV004806611.1).